The following is an entry in ClinVar:

ClinVar aggregate classification (germline): Conflicting classifications of pathogenicity. Review status: criteria provided, conflicting classifications (1 of 4 stars). 5 submissions from 5 submitters: Uncertain significance (2); Likely benign (3). Last evaluated 2025-07-08.

Conditions:
Cardiovascular phenotype. Identifiers: MedGen CN230736.
Duchenne muscular dystrophy (DMD). Also called: MUSCULAR DYSTROPHY, PSEUDOHYPERTROPHIC PROGRESSIVE, DUCHENNE TYPE; Duchenne Muscular Dystrophy (DMD). Identifiers: Orphanet 98896, MedGen C0013264, MONDO:0010679, OMIM 310200.

Allele frequency attached by ClinVar (database versions not stated): ExAC 0.00006; TOPMed 0.00006; gnomAD 0.00008; ESP Exome Variant Server 0.00009; 1000 Genomes Project 0.00026; 1000 Genomes Project 30x 0.00042.
gnomAD v4.1: 21 of 1,207,586 alleles (0.0017%); highest among the groups gnomAD compares: African/African-American, 0.035%; no homozygotes.

Submissions (5):

Labcorp Genetics (formerly Invitae), Labcorp
Classification: Likely benign for Duchenne muscular dystrophy. Last evaluated: 2025-07-08. Review status: criteria provided, single submitter. Criteria: Invitae Variant Classification Sherloc (09022015). Collection method: clinical testing. Allele origin: germline.

Ambry Genetics
Classification: Likely benign for Cardiovascular phenotype. Last evaluated: 2025-02-13. Review status: criteria provided, single submitter. Criteria: Ambry Variant Classification Scheme 2023. Collection method: clinical testing. Allele origin: germline.

CeGaT Center for Human Genetics Tuebingen
Classification: Likely benign. Last evaluated: 2024-04-01. Review status: criteria provided, single submitter. Criteria: CeGaT Center For Human Genetics Tuebingen Variant Classification Criteria Version 2. Collection method: clinical testing. Allele origin: germline. Affected: yes. Observed: 1 variant allele.
Comment: DMD: BP4, BS2

ARUP Laboratories, Molecular Genetics and Genomics, ARUP Laboratories
Classification: Uncertain significance. Last evaluated: 2023-10-13. Review status: criteria provided, single submitter. Criteria: ARUP Molecular Germline Variant Investigation Process 2024. Collection method: clinical testing. Allele origin: germline.
Comment: The DMD c.8656C>G; p.Gln2886Glu variant (rs201361100), to our knowledge, is not reported in the medical literature but is reported in ClinVar (Variation ID: 1764197). This variant is found in the African/African-American population with an allele frequency of 0.053% (7/13147 alleles, including a single hemizygote) in the Genome Aggregation Database. Computational analyses predict that this variant is neutral (REVEL: 0.093). Due to limited information, the clinical significance of this variant is uncertain at this time.

Revvity Omics, Revvity
Classification: Uncertain significance. Last evaluated: 2019-07-15. Review status: criteria provided, single submitter. Criteria: ACMG Guidelines, 2015. Collection method: clinical testing. Allele origin: germline.

NM_004006.3(DMD):c.8656C>G (p.Gln2886Glu)

Gene: DMD (dystrophin; minus strand). Cytogenetic location: Xp21.2.
Variant type: single nucleotide variant.
Coding change: c.8656C>G on transcript NM_004006.3 (MANE Select); coding-DNA position 8656, C replaced by G.
Protein change: p.Gln2886Glu; replaces glutamine 2886 with glutamic acid.
Molecular consequence: missense variant.
Genome position (GRCh38, 1-based): chrX:31,478,995, G>C on the plus strand (C>G on the coding strand, the complement: DMD is on the minus strand). VCF-style: chrX-31478995-G-C. GRCh37 (hg19) VCF-style: chrX-31497112-G-C.
Other names: c.8632C>G, p.Gln2878Glu (NM_000109.4); c.8644C>G, p.Gln2882Glu (NM_004009.3); c.8287C>G, p.Gln2763Glu (NM_004010.3); c.4633C>G, p.Gln1545Glu (NM_004011.4); c.4624C>G, p.Gln1542Glu (NM_004012.4); c.1276C>G, p.Gln426Glu (NM_004013.3, NM_004020.4, NM_004021.3 and 2 more transcripts); c.469C>G, p.Gln157Glu (NM_004014.3); short protein forms Q2878E, Q426E, Q2882E, Q2886E, Q1542E, Q1545E, Q157E, Q2763E.
Identifiers: ClinVar variation 1764197 (VCV001764197.33), dbSNP rs201361100, ClinGen allele CA10378022.